The following continues an entry in ClinVar:

NM_000059.4(BRCA2):c.9026_9030del (p.Tyr3009fs)

Gene: BRCA2. ClinVar aggregate classification (germline): Pathogenic. Pathogenic (1).

Submissions 9 to 21 of 21:

All of Us Research Program, National Institutes of Health
Classification: Pathogenic for Breast-ovarian cancer, familial, susceptibility to, 2. Last evaluated: 2023-07-07. Review status: criteria provided, single submitter. Criteria: ACMG Guidelines, 2015. Collection method: clinical testing. Allele origin: germline. Inheritance: Autosomal dominant inheritance. Observed: 1 variant allele, 1 heterozygote. Not counted in ClinVar's aggregate classification.
Comment: The c.9026_9030del (p.Tyr3009Serfs*7) variant in the BRCA2 gene is located on the exon 23 and is predicted to result in shift of reading frame that introduces a premature translation termination codon (p.Tyr3009Serfs*7), resulting in an absent or disrupted protein product. Loss-of-function variants of BRCA2 are known to be pathogenic (PMID: 29446198, 11897832, 8988179). This variant has been reported in multiple individuals with breast and/or ovarian cancer (PMID: 30186769, 29084914, 25586199, 23683081, 23479189, 26026974). The variant is reported in ClinVar as pathogenic (ID: 38204) and reviewed by the expert panel. The variant is rare in the general population according to gnomAD (1/250686). Therefore, the c.9026_9030del (p.Tyr3009Serfs*7) variant of BRCA2 has been classified as pathogenic.

This study involves interpretation of variants in research participants for the purpose of population health screening. Participant phenotype was not available at the time of variant classification. Additional details can be found in publication PMID: 35346344, PMCID: PMC8962531

Color Diagnostics, LLC DBA Color Health
Classification: Pathogenic for Hereditary cancer-predisposing syndrome. Last evaluated: 2023-06-26. Review status: criteria provided, single submitter. Criteria: ACMG Guidelines, 2015. Collection method: clinical testing. Allele origin: germline. Not counted in ClinVar's aggregate classification.
Comment: This variant deletes 5 nucleotides in exon 23 of the BRCA2 gene, creating a frameshift and premature translation stop signal. This variant is expected to result in an absent or non-functional protein product. This variant has been reported in more than 30 individuals with a personal or family history of breast and/or ovarian cancer and is a recurrent mutation in the Spanish population (PMID: 12655567, 12655574, 12955716, 17262179, 23479189, 23683081, 25586199, 26026974, 28477318, 29084914). This variant has been identified in 1/250686 chromosomes in the general population by the Genome Aggregation Database (gnomAD). Loss of BRCA2 function is a known mechanism of disease. Based on the available evidence, this variant is classified as Pathogenic.

Baylor Genetics
Classification: Pathogenic for Familial cancer of breast. Last evaluated: 2023-05-28. Review status: criteria provided, single submitter. Criteria: ACMG Guidelines, 2015. Collection method: clinical testing. Allele origin: unknown. Not counted in ClinVar's aggregate classification.

Revvity Omics, Revvity
Classification: Pathogenic. Last evaluated: 2022-05-05. Review status: criteria provided, single submitter. Criteria: ACMG Guidelines, 2015. Collection method: clinical testing. Allele origin: germline. Not counted in ClinVar's aggregate classification.

GeneDx
Classification: Pathogenic. Last evaluated: 2021-11-02. Review status: criteria provided, single submitter. Criteria: GeneDx Variant Classification Process June 2021. Collection method: clinical testing. Allele origin: germline. Affected: yes. Not counted in ClinVar's aggregate classification.
Comment: Frameshift variant predicted to result in protein truncation or nonsense mediated decay in a gene for which loss-of-function is a known mechanism of disease; Identified in several hereditary breast/ovarian cancer families and has been reported as a founder variant in Northern Spanish populations (Tavtigian 1996, Janaviius 2010, Caputo 2012, de Juan Jimenez 2013, Labidi-Galy 2018, Solano 2018); Not observed at a significant frequency in large population cohorts (Lek 2016); Truncating variants in this gene are considered pathogenic by a well-established clinical consortium and/or database; Also known as 9254del5; This variant is associated with the following publications: (PMID: 22632462, 21735045, 24123850, 23479189, 22144684, 8589730, 20033483, 12655574, 18176857, 23683081, 28477318, 29084914, 30720243, 30122538, 30186769, 23199084, 30969264, 26295337, 26026974, 25586199, 32854451, 32039725, 29625052)

CHEO Genetics Diagnostic Laboratory, Children's Hospital of Eastern Ontario
Classification: Pathogenic for Breast and/or ovarian cancer. Last evaluated: 2020-11-02. Review status: criteria provided, single submitter. Criteria: ACMG Guidelines, 2015. Collection method: clinical testing. Allele origin: germline. Not counted in ClinVar's aggregate classification.

Genetic Services Laboratory, University of Chicago
Classification: Pathogenic for {Breast-ovarian cancer, familial, 2}. Last evaluated: 2017-05-30. Review status: criteria provided, single submitter. Criteria: ACMG Guidelines, 2015. Collection method: clinical testing. Allele origin: germline. Affected: yes. Not counted in ClinVar's aggregate classification.

Genologica Medica
Classification: Pathogenic for Breast-ovarian cancer, familial, susceptibility to, 2. Last evaluated: 2017-01-01. Review status: criteria provided, single submitter. Criteria: ACMG Guidelines, 2015. Collection method: clinical testing. Allele origin: germline. Affected: yes. Not counted in ClinVar's aggregate classification.

Consortium of Investigators of Modifiers of BRCA1/2 (CIMBA), c/o University of Cambridge
Classification: Pathogenic for Breast-ovarian cancer, familial, susceptibility to, 2. Last evaluated: 2015-10-02. Review status: criteria provided, single submitter. Criteria: CIMBA Mutation Classification guidelines May 2016. Collection method: clinical testing. Allele origin: germline. Not counted in ClinVar's aggregate classification.

Molecular Oncology, Hospital Universitario Central de Asturias (HUCA)
Classification: Pathogenic for Breast-ovarian cancer, familial, susceptibility to, 2. Last evaluated: 2021-05-24. Review status: no assertion criteria provided. Collection method: case-control. Allele origin: germline. Affected: yes. Not counted in ClinVar's aggregate classification.

Counsyl
Classification: Pathogenic for Breast-ovarian cancer, familial, susceptibility to, 2. Last evaluated: 2017-02-08. Review status: no assertion criteria provided. Collection method: clinical testing. Allele origin: unknown. Not counted in ClinVar's aggregate classification.

Sharing Clinical Reports Project (SCRP)
Classification: Pathogenic for Breast-ovarian cancer, familial 2. Last evaluated: 2011-06-30. Review status: no assertion criteria provided. Collection method: clinical testing. Allele origin: germline. Not counted in ClinVar's aggregate classification.

Breast Cancer Information Core (BIC) (BRCA2)
Classification: Pathogenic for Breast-ovarian cancer, familial 2. Last evaluated: 2002-05-29. Review status: no assertion criteria provided. Collection method: clinical testing. Allele origin: germline, unknown. Affected: yes. Observed: 16 variant alleles. Not counted in ClinVar's aggregate classification.

Literature cited by the submitters: PubMed 20104584 (cited by Labcorp Genetics (formerly Invitae), Labcorp); PubMed 8589730 (cited by Labcorp Genetics (formerly Invitae), Labcorp and Ambry Genetics); PubMed 12655574 (cited by 3 submitters); PubMed 22632462 (cited by 3 submitters); PubMed 23479189 (cited by 6 submitters); PubMed 25586199 (cited by 3 submitters); PubMed 26026974 (cited by 6 submitters); PubMed 22144684 (cited by Ambry Genetics and Quest Diagnostics Nichols Institute San Juan Capistrano); PubMed 23683081 (cited by 5 submitters); PubMed 28477318 (cited by 3 submitters); PubMed 29084914 (cited by 4 submitters); PubMed 26295337 (cited by Quest Diagnostics Nichols Institute San Juan Capistrano); PubMed 24123850 (cited by Quest Diagnostics Nichols Institute San Juan Capistrano); PubMed 38922859 (cited by Quest Diagnostics Nichols Institute San Juan Capistrano and Molecular Oncology, Hospital Universitario Central de Asturias (HUCA)); PubMed 38075165 (cited by Quest Diagnostics Nichols Institute San Juan Capistrano); PubMed 38504328 (cited by Quest Diagnostics Nichols Institute San Juan Capistrano); PubMed 38974244 (cited by Quest Diagnostics Nichols Institute San Juan Capistrano); PubMed 32854451 (cited by Quest Diagnostics Nichols Institute San Juan Capistrano); PubMed 39364320 (cited by Quest Diagnostics Nichols Institute San Juan Capistrano); PubMed 36451132 (cited by Quest Diagnostics Nichols Institute San Juan Capistrano); PubMed 12955716 (cited by Women's Health and Genetics/Laboratory Corporation of America, LabCorp and Color Diagnostics, LLC DBA Color Health); PubMed 17262179 (cited by Women's Health and Genetics/Laboratory Corporation of America, LabCorp and Color Diagnostics, LLC DBA Color Health); PubMed 12655567 (cited by Women's Health and Genetics/Laboratory Corporation of America, LabCorp and Color Diagnostics, LLC DBA Color Health); PubMed 9585613 (cited by Women's Health and Genetics/Laboratory Corporation of America, LabCorp); PubMed 9150172 (cited by Women's Health and Genetics/Laboratory Corporation of America, LabCorp); PubMed 8988179 (cited by All of Us Research Program, National Institutes of Health); PubMed 11897832 (cited by All of Us Research Program, National Institutes of Health); PubMed 29446198 (cited by All of Us Research Program, National Institutes of Health); PubMed 30186769 (cited by All of Us Research Program, National Institutes of Health); PubMed 21735045 (cited by Counsyl).